The following is an entry in ClinVar:

NM_198999.3(SLC26A5):c.1697T>C (p.Val566Ala)

Gene: SLC26A5 (solute carrier family 26 member 5; minus strand). Cytogenetic location: 7q22.1.
Variant type: single nucleotide variant.
Coding change: c.1697T>C on transcript NM_198999.3 (MANE Select); coding-DNA position 1697, T replaced by C.
Protein change: p.Val566Ala; replaces valine 566 with alanine.
Molecular consequence: missense variant. On other transcripts: non-coding transcript variant (4), intron variant (2).
Genome position (GRCh38, 1-based): chr7:103,378,534, A>G on the plus strand (T>C on the coding strand, the complement: SLC26A5 is on the minus strand). VCF-style: chr7-103378534-A-G. GRCh37 (hg19) VCF-style: chr7-103018981-A-G.
Other names: c.1601T>C, p.Val534Ala (NM_001167962.2, NM_001321787.2); c.1697T>C, p.Val566Ala (NM_206883.3); c.971+19398T>C (NM_206885.3); c.1514+10474T>C (NM_206884.3); short protein forms V534A, V566A.
Identifiers: ClinVar variation 4978995 (VCV004978995.1).

ClinVar aggregate classification (germline): Uncertain significance (1 of 4 stars; one submission).

Conditions:
SLC26A5-related disorder. Also called: SLC26A5-related condition.

gnomAD v4.1: 4 of 1,614,046 alleles (0.00025%); highest among the groups gnomAD compares: Non-Finnish European, 0.00025%; no homozygotes.

Submission:

PreventionGenetics, part of Exact Sciences
Classification: Uncertain significance for SLC26A5-related condition. Last evaluated: 2026-02-14. Review status: criteria provided, single submitter. Criteria: ACMG Guidelines, 2015. Collection method: clinical testing. Allele origin: germline.
Comment: The SLC26A5 c.1697T>C variant is predicted to result in the amino acid substitution p.Val566Ala. To our knowledge, this variant has not been reported in the literature. This variant is reported in 0.0018% of alleles in individuals of European (Non-Finnish) descent in gnomAD. At this time, the clinical significance of this variant is uncertain due to the absence of conclusive functional and genetic evidence.